The following is an entry in ClinVar:

ClinVar aggregate classification (germline): Uncertain significance (1 of 4 stars; one submission).

Conditions:
Peroxisome biogenesis disorder. Identifiers: Orphanet 79189, MedGen C1832200, MONDO:0019234. Disease mechanism: loss of function.

Allele frequency attached by ClinVar (database versions not stated): gnomAD exomes below 0.00001.
gnomAD v4.1: 1 of 1,614,138 alleles (0.000062%); highest among the groups gnomAD compares: Non-Finnish European, 0.000085%; no homozygotes.

Submission:

Labcorp Genetics (formerly Invitae), Labcorp
Classification: Uncertain significance for Peroxisome biogenesis disorder. Last evaluated: 2022-08-05. Review status: criteria provided, single submitter. Criteria: Invitae Variant Classification Sherloc (09022015). Collection method: clinical testing. Allele origin: germline.
Comment: This sequence change replaces alanine, which is neutral and non-polar, with serine, which is neutral and polar, at codon 530 of the PEX6 protein (p.Ala530Ser). This variant is not present in population databases (gnomAD no frequency). This variant has not been reported in the literature in individuals affected with PEX6-related conditions. Algorithms developed to predict the effect of missense changes on protein structure and function (SIFT, PolyPhen-2, Align-GVGD) all suggest that this variant is likely to be tolerated. In summary, the available evidence is currently insufficient to determine the role of this variant in disease. Therefore, it has been classified as a Variant of Uncertain Significance.

NM_000287.4(PEX6):c.1588G>T (p.Ala530Ser)

Gene: PEX6 (peroxisomal biogenesis factor 6; minus strand). Cytogenetic location: 6p21.1.
Variant type: single nucleotide variant.
Coding change: c.1588G>T on transcript NM_000287.4 (MANE Select); coding-DNA position 1588, G replaced by T.
Protein change: p.Ala530Ser; replaces alanine 530 with serine.
Molecular consequence: missense variant. On other transcripts: non-coding transcript variant (1).
Genome position (GRCh38, 1-based): chr6:42,968,390, C>A on the plus strand (G>T on the coding strand, the complement: PEX6 is on the minus strand). VCF-style: chr6-42968390-C-A. GRCh37 (hg19) VCF-style: chr6-42936128-C-A.
Other names: c.1324G>T, p.Ala442Ser (NM_001316313.2); short protein forms A442S, A530S.
Identifiers: ClinVar variation 2145931 (VCV002145931.1), dbSNP rs1425851327, ClinGen allele CA364154322.